The following is an entry in ClinVar:

NM_015338.6(ASXL1):c.4018C>A (p.Pro1340Thr)

Gene: ASXL1 (ASXL transcriptional regulator 1; plus strand). Cytogenetic location: 20q11.21.
Variant type: single nucleotide variant.
Coding change: c.4018C>A on transcript NM_015338.6 (MANE Select); coding-DNA position 4018, C replaced by A.
Protein change: p.Pro1340Thr; replaces proline 1340 with threonine.
Molecular consequence: missense variant.
Genome position (GRCh38, 1-based): chr20:32,436,730, C>A. VCF-style: chr20-32436730-C-A. GRCh37 (hg19) VCF-style: chr20-31024533-C-A.
Other names: c.3835C>A, p.Pro1279Thr (NM_001363734.1); short protein forms P1340T, P1279T.
Identifiers: ClinVar variation 2905612 (VCV002905612.3), dbSNP rs375493039, ClinGen allele CA9808948.

ClinVar aggregate classification (germline): Uncertain significance (1 of 4 stars; one submission).

Allele frequency attached by ClinVar (database versions not stated): gnomAD exomes 0.00001; TOPMed 0.00002; 1000 Genomes Project 0.00020; gnomAD 0.00001; ESP Exome Variant Server 0.00008; 1000 Genomes Project 30x 0.00016; ExAC 0.00002.
gnomAD v4.1: 25 of 1,614,098 alleles (0.0015%); highest among the groups gnomAD compares: Non-Finnish European, 0.0019%; no homozygotes.

Submission:

Labcorp Genetics (formerly Invitae), Labcorp
Classification: Uncertain significance. Last evaluated: 2025-04-14. Review status: criteria provided, single submitter. Criteria: Invitae Variant Classification Sherloc (09022015). Collection method: clinical testing. Allele origin: germline.
Comment: This sequence change replaces proline, which is neutral and non-polar, with threonine, which is neutral and polar, at codon 1340 of the ASXL1 protein (p.Pro1340Thr). This variant is present in population databases (rs375493039, gnomAD 0.007%). This variant has not been reported in the literature in individuals affected with ASXL1-related conditions. ClinVar contains an entry for this variant (Variation ID: 2905612). An algorithm developed to predict the effect of missense changes on protein structure and function (PolyPhen-2) suggests that this variant is likely to be tolerated. In summary, the available evidence is currently insufficient to determine the role of this variant in disease. Therefore, it has been classified as a Variant of Uncertain Significance.